The following is an entry in ClinVar:

ClinVar aggregate classification (germline): Likely benign. Review status: criteria provided, multiple submitters, no conflicts (2 of 4 stars). 2 submissions from 2 submitters: Likely benign (2). Last evaluated 2018-06-14.

Allele frequency attached by ClinVar (database versions not stated): 1000 Genomes Project 30x 0.00843; 1000 Genomes Project 0.00919; TOPMed 0.01421; gnomAD 0.01476 and 0.01546; ESP Exome Variant Server 0.01538; ExAC 0.01706; gnomAD exomes 0.01707.
gnomAD v4.1: 29,549 of 1,456,762 alleles (2%); highest among the groups gnomAD compares: Non-Finnish European, 2.2%; 385 homozygotes.

Submissions (2):

GeneDx
Classification: Likely benign. Last evaluated: 2018-06-14. Review status: criteria provided, single submitter. Criteria: GeneDx Variant Classification (06012015). Collection method: clinical testing. Allele origin: germline. Affected: yes.
Comment: This variant is considered likely benign or benign based on one or more of the following criteria: it is a conservative change, it occurs at a poorly conserved position in the protein, it is predicted to be benign by multiple in silico algorithms, and/or has population frequency not consistent with disease.

Breakthrough Genomics
Classification: Likely benign. Review status: criteria provided, single submitter. Criteria: ACMG Guidelines, 2015. Collection method: not provided. Allele origin: germline. Inheritance: Autosomal dominant inheritance. Affected: yes.

NM_000393.5(COL5A2):c.2392-41C>T

Gene: COL5A2 (collagen type V alpha 2 chain; minus strand). Cytogenetic location: 2q32.2.
Variant type: single nucleotide variant.
Coding change: c.2392-41C>T on transcript NM_000393.5 (MANE Select); 41 bases into the intron before coding-DNA position 2392, C replaced by T.
Molecular consequence: intron variant.
Genome position (GRCh38, 1-based): chr2:189,054,253, G>A on the plus strand (C>T on the coding strand, the complement: COL5A2 is on the minus strand). VCF-style: chr2-189054253-G-A. GRCh37 (hg19) VCF-style: chr2-189918979-G-A.
Identifiers: ClinVar variation 673985 (VCV000673985.2), dbSNP rs114959831, ClinGen allele CA2022345.
Genomic context (GRCh38, chr2:189,054,253, plus strand): 5'-CCCAAAGGACCTGGAAGACCCTGTCAATTAACAGAACATAGGCATATTGAGGTAAAAAAT[G>A]CACAGAAATCTTCATGCTTAGCAAATCAACAAACAAAAAAGAAACGACTATTTTGTTATA-3'